The following is an entry in ClinVar:

NM_017780.4(CHD7):c.5371G>A (p.Asp1791Asn)

Gene: CHD7 (chromodomain helicase DNA binding protein 7; plus strand). Cytogenetic location: 8q12.2.
Variant type: single nucleotide variant.
Coding change: c.5371G>A on transcript NM_017780.4 (MANE Select); coding-DNA position 5371, G replaced by A.
Protein change: p.Asp1791Asn; replaces aspartic acid 1791 with asparagine.
Molecular consequence: missense variant. On other transcripts: intron variant (1).
Genome position (GRCh38, 1-based): chr8:60,849,121, G>A. VCF-style: chr8-60849121-G-A. GRCh37 (hg19) VCF-style: chr8-61761680-G-A.
Other names: c.1717-13108G>A (NM_001316690.1); short protein forms D1791N.
Identifiers: ClinVar variation 459554 (VCV000459554.8), dbSNP rs1554603283, ClinGen allele CA371321237.

ClinVar aggregate classification (germline): Uncertain significance (1 of 4 stars; one submission).

Conditions:
CHARGE syndrome (CHARGE). Also called: Hittner Hirsch Kreh syndrome; CHARGE ASSOCIATION--COLOBOMA, HEART ANOMALY, CHOANAL ATRESIA, RETARDATION, GENITAL AND EAR ANOMALIES; Coloboma, heart anomaly, choanal atresia, retardation, genital and ear anomalies; CHARGE association; Hall-Hittner syndrome. Identifiers: Orphanet 138, MedGen C0265354, MONDO:0008965.

Submission:

Labcorp Genetics (formerly Invitae), Labcorp
Classification: Uncertain significance for CHARGE syndrome. Last evaluated: 2017-06-22. Review status: criteria provided, single submitter. Criteria: Invitae Variant Classification Sherloc (09022015). Collection method: clinical testing. Allele origin: germline.
Comment: This variant has not been reported in the literature in individuals with CHD7-related disease. In summary, the available evidence is currently insufficient to determine the role of this variant in disease. Therefore, it has been classified as a Variant of Uncertain Significance. Algorithms developed to predict the effect of missense changes on protein structure and function do not agree on the potential impact of this missense change (SIFT: "Deleterious"; PolyPhen-2: "Probably Damaging"; Align-GVGD: "Class C15"). This variant is not present in population databases (ExAC no frequency). This sequence change replaces aspartic acid with asparagine at codon 1791 of the CHD7 protein (p.Asp1791Asn). The aspartic acid residue is highly conserved and there is a small physicochemical difference between aspartic acid and asparagine.